The following is an entry in ClinVar:

ClinVar aggregate classification (germline): Uncertain significance (1 of 4 stars; one submission).

Submission:

Labcorp Genetics (formerly Invitae), Labcorp
Classification: Uncertain significance. Last evaluated: 2025-10-27. Review status: criteria provided, single submitter. Criteria: Invitae Variant Classification Sherloc (09022015). Collection method: clinical testing. Allele origin: germline.
Comment: This sequence change replaces glutamine, which is neutral and polar, with histidine, which is basic and polar, at codon 744 of the TLR7 protein (p.Gln744His). This variant is not present in population databases (gnomAD no frequency). This variant has not been reported in the literature in individuals affected with TLR7-related conditions. An algorithm developed to predict the effect of missense changes on protein structure and function (PolyPhen-2) suggests that this variant is likely to be disruptive. In summary, the available evidence is currently insufficient to determine the role of this variant in disease. Therefore, it has been classified as a Variant of Uncertain Significance.

NM_016562.4(TLR7):c.2232A>T (p.Gln744His)

Gene: TLR7 (toll like receptor 7; plus strand). Cytogenetic location: Xp22.2.
Variant type: single nucleotide variant.
Coding change: c.2232A>T on transcript NM_016562.4 (MANE Select); coding-DNA position 2232, A replaced by T.
Protein change: p.Gln744His; replaces glutamine 744 with histidine.
Molecular consequence: missense variant.
Genome position (GRCh38, 1-based): chrX:12,887,740, A>T. VCF-style: chrX-12887740-A-T. GRCh37 (hg19) VCF-style: chrX-12905859-A-T.
Other names: short protein forms Q744H.
Identifiers: ClinVar variation 4782242 (VCV004782242.1).